The following is an entry in ClinVar:

ClinVar aggregate classification (germline): Uncertain significance (1 of 4 stars; one submission).

Conditions:
Hereditary cancer-predisposing syndrome. Also called: Neoplastic Syndromes, Hereditary; Tumor predisposition; Hereditary Cancer Syndrome; Hereditary neoplastic syndrome. Identifiers: Orphanet 140162, MedGen C0027672, MeSH D009386, MONDO:0015356.

gnomAD v4.1: 2 of 1,608,450 alleles (0.00012%); highest among the groups gnomAD compares: South Asian, 0.0011%; no homozygotes.

Submission:

Color Diagnostics, LLC DBA Color Health
Classification: Uncertain significance for Hereditary cancer-predisposing syndrome. Last evaluated: 2023-12-05. Review status: criteria provided, single submitter. Criteria: ACMG Guidelines, 2015. Collection method: clinical testing. Allele origin: germline.
Comment: This missense variant replaces glycine with glutamic acid at codon 35 of the BRIP1 protein. Computational prediction suggests that this variant may not impact protein structure and function (internally defined REVEL score threshold <= 0.5, PMID: 27666373). To our knowledge, functional studies have not been reported for this variant. This variant has not been reported in individuals affected with BRIP1-related disorders in the literature. This variant has not been identified in the general population by the Genome Aggregation Database (gnomAD). The available evidence is insufficient to determine the role of this variant in disease conclusively. Therefore, this variant is classified as a Variant of Uncertain Significance.

NM_032043.3(BRIP1):c.104G>A (p.Gly35Glu)

Gene: BRIP1 (BRCA1 interacting DNA helicase 1; minus strand). Cytogenetic location: 17q23.2.
Variant type: single nucleotide variant.
Coding change: c.104G>A on transcript NM_032043.3 (MANE Select); coding-DNA position 104, G replaced by A.
Protein change: p.Gly35Glu; replaces glycine 35 with glutamic acid.
Molecular consequence: missense variant.
Genome position (GRCh38, 1-based): chr17:61,859,897, C>T on the plus strand (G>A on the coding strand, the complement: BRIP1 is on the minus strand). VCF-style: chr17-61859897-C-T. GRCh37 (hg19) VCF-style: chr17-59937258-C-T.
Other names: short protein forms G35E.
Identifiers: ClinVar variation 924980 (VCV000924980.4), dbSNP rs876659168, ClinGen allele CA400485865.